The following is an entry in ClinVar:

ClinVar aggregate classification (germline): Pathogenic (1 of 4 stars; one submission).

Conditions:
Achondrogenesis, type IB (ACG1B). Also called: Achondrogenesis Type 1B. Identifiers: Orphanet 932, Orphanet 93298, MedGen C0265274, MONDO:0010966, OMIM 600972.
Atelosteogenesis type II (AO2). Also called: NEONATAL OSSEOUS DYSPLASIA I; Neonatal osseous dysplasia 1; SLC26A2-Related Atelosteogenesis. Identifiers: Orphanet 56304, MedGen C1850554, MONDO:0009727, OMIM 256050.
Diastrophic dysplasia (DTD). Also called: Diastrophic dwarfism. Identifiers: Orphanet 628, MedGen C0220726, MONDO:0009107, OMIM 222600.
Multiple epiphyseal dysplasia type 4 (EDM4). Also called: SLC26A2-Related Multiple Epiphyseal Dysplasia; Multiple Epiphyseal Dysplasia, Recessive; MULTIPLE EPIPHYSEAL DYSPLASIA WITH BILAYERED PATELLAE; MULTIPLE EPIPHYSEAL DYSPLASIA WITH CLUBFOOT; MULTIPLE EPIPHYSEAL DYSPLASIA, AUTOSOMAL RECESSIVE. Identifiers: Orphanet 93307, MedGen C1847593, MONDO:0009189, OMIM 226900.

Submission:

Labcorp Genetics (formerly Invitae), Labcorp
Classification: Pathogenic for Atelosteogenesis type II; Multiple epiphyseal dysplasia type 4; Achondrogenesis, type IB; Diastrophic dysplasia. Last evaluated: 2023-01-16. Review status: criteria provided, single submitter. Criteria: Invitae Variant Classification Sherloc (09022015). Collection method: clinical testing. Allele origin: germline.
Comment: For these reasons, this variant has been classified as Pathogenic. This variant disrupts a region of the SLC26A2 protein in which other variant(s) (p.Ala715Thr) have been determined to be pathogenic (Invitae). This suggests that this is a clinically significant region of the protein, and that variants that disrupt it are likely to be disease-causing. ClinVar contains an entry for this variant (Variation ID: 1402115). This variant has not been reported in the literature in individuals affected with SLC26A2-related conditions. This variant is not present in population databases (gnomAD no frequency). This sequence change creates a premature translational stop signal (p.Leu465Valfs*32) in the SLC26A2 gene. While this is not anticipated to result in nonsense mediated decay, it is expected to disrupt the last 275 amino acid(s) of the SLC26A2 protein.

NM_000112.4(SLC26A2):c.1393_1394del (p.Leu465fs)

Gene: SLC26A2 (solute carrier family 26 member 2; plus strand). Cytogenetic location: 5q32.
Variant type: Deletion.
Coding change: c.1393_1394del on transcript NM_000112.4 (MANE Select); coding-DNA positions 1393 to 1394, 2 bases deleted (TT; older notation c.1393_1394delTT).
Protein change: p.Leu465fs; shifts the reading frame from leucine 465.
Molecular consequence: frameshift variant.
Genome position (GRCh38, 1-based): chr5:149,980,986-149,980,987, TT deleted; deleting any 2 consecutive bases within chr5:149,980,984-149,980,987 gives the same sequence; the c. name uses the placement nearest the transcript's 3' end. VCF-style (leftmost placement, unchanged base first): chr5-149980983-CTT-C. GRCh37 (hg19) VCF-style: chr5-149360546-CTT-C.
Other names: short protein forms L465fs.
Identifiers: ClinVar variation 1402115 (VCV001402115.6), dbSNP rs386833495, ClinGen allele CA2573139278.